The following is an entry in ClinVar:

NM_000548.5(TSC2):c.262C>G (p.Leu88Val)

Gene: TSC2 (TSC complex subunit 2; plus strand). Cytogenetic location: 16p13.3.
Variant type: single nucleotide variant.
Coding change: c.262C>G on transcript NM_000548.5 (MANE Select); coding-DNA position 262, C replaced by G.
Protein change: p.Leu88Val; replaces leucine 88 with valine.
Molecular consequence: missense variant. On other transcripts: 5 prime UTR variant (14), non-coding transcript variant (5), intron variant (9).
Genome position (GRCh38, 1-based): chr16:2,053,378, C>G. VCF-style: chr16-2053378-C-G. GRCh37 (hg19) VCF-style: chr16-2103379-C-G.
Other names: c.-1170C>G (NM_001406690.1, NM_001406691.1, NM_001406692.1 and 2 more transcripts); c.-1158C>G (NM_001406696.1); c.-1346C>G (NM_001406698.1); c.262C>G, p.Leu88Val (NM_021055.3, NM_001406668.1, NM_001406671.1 and 10 more transcripts); c.-1476C>G (NM_001406693.1); c.-1051C>G (NM_001406694.1, NM_001406695.1); c.-1-2818C>G (NM_001318831.2, NM_001406688.1, NM_001406682.1 and 3 more transcripts); c.226-918C>G (NM_001406670.1, NM_001318827.2, NM_001406678.1); and 4 more; short protein forms L99V, L88V, L39V.
Identifiers: ClinVar variation 2626449 (VCV002626449.6), dbSNP rs45485999, ClinGen allele CA394305601.
Genomic context (GRCh38, chr16:2,053,378, plus strand): 5'-CGCTGTCCCCTCTGCTGGTGACAGCACGCAGTGGAAGCACTCTGGAAGGCGGTCGCGGAT[C>G]TGTTGCAGCCGGAGCGGCCGCTGGAGGCCCGGCACGCGGTGCTGGCTCTGCTGAAGGCCA-3'
Protein context (NP_000539.2, residues 78-98): VEALWKAVAD[Leu88Val]LQPERPLEAR

ClinVar aggregate classification (germline): Uncertain significance. Review status: criteria provided, multiple submitters, no conflicts (2 of 4 stars). 3 submissions from 3 submitters: Uncertain significance (3). Last evaluated 2025-10-07.

Conditions:
Hereditary cancer-predisposing syndrome. Also called: Tumor predisposition; Neoplastic Syndromes, Hereditary; Hereditary Cancer Syndrome; Hereditary neoplastic syndrome. Identifiers: Orphanet 140162, MedGen C0027672, MeSH D009386, MONDO:0015356.
Tuberous sclerosis 2 (TSC2). Identifiers: Orphanet 805, MedGen C1860707, MONDO:0013199, OMIM 613254.
Tuberous sclerosis syndrome (TSC). Also called: Tuberous Sclerosis Complex; Tuberous sclerosis. Identifiers: Orphanet 805, MedGen C0041341, MONDO:0001734.

Submissions (3):

Color Diagnostics, LLC DBA Color Health
Classification: Uncertain significance for Tuberous sclerosis syndrome. Last evaluated: 2025-10-07. Review status: criteria provided, single submitter. Criteria: ACMG Guidelines, 2015. Collection method: clinical testing. Allele origin: germline.
Comment: This missense variant replaces leucine with valine at codon 88 of the TSC2 protein. Computational prediction suggests that this variant may not impact protein structure and function. To our knowledge, functional studies have not been reported for this variant. This variant has not been reported in individuals affected with TSC2-related disorders in the literature. This variant has not been identified in the general population by the Genome Aggregation Database (gnomAD). The available evidence is insufficient to determine the role of this variant in disease conclusively. Therefore, this variant is classified as a Variant of Uncertain Significance.

Labcorp Genetics (formerly Invitae), Labcorp
Classification: Uncertain significance for Tuberous sclerosis 2. Last evaluated: 2024-07-30. Review status: criteria provided, single submitter. Criteria: Invitae Variant Classification Sherloc (09022015). Collection method: clinical testing. Allele origin: germline.
Comment: This sequence change replaces leucine, which is neutral and non-polar, with valine, which is neutral and non-polar, at codon 88 of the TSC2 protein (p.Leu88Val). This variant is not present in population databases (gnomAD no frequency). This variant has not been reported in the literature in individuals affected with TSC2-related conditions. ClinVar contains an entry for this variant (Variation ID: 2626449). Advanced modeling of protein sequence and biophysical properties (such as structural, functional, and spatial information, amino acid conservation, physicochemical variation, residue mobility, and thermodynamic stability) performed at Invitae indicates that this missense variant is not expected to disrupt TSC2 protein function with a negative predictive value of 95%. In summary, the available evidence is currently insufficient to determine the role of this variant in disease. Therefore, it has been classified as a Variant of Uncertain Significance.

Ambry Genetics
Classification: Uncertain significance for Hereditary cancer-predisposing syndrome. Last evaluated: 2023-08-30. Review status: criteria provided, single submitter. Criteria: Ambry Variant Classification Scheme 2023. Collection method: clinical testing. Allele origin: germline.
Comment: The p.L88V variant (also known as c.262C>G), located in coding exon 3 of the TSC2 gene, results from a C to G substitution at nucleotide position 262. The leucine at codon 88 is replaced by valine, an amino acid with highly similar properties. This amino acid position is not well conserved in available vertebrate species. In addition, the in silico prediction for this alteration is inconclusive. Since supporting evidence is limited at this time, the clinical significance of this alteration remains unclear.